The following is an entry in ClinVar:

ClinVar aggregate classification (germline): Uncertain significance. Review status: criteria provided, single submitter (1 of 4 stars). 2 submissions from 2 submitters: Uncertain significance (1). 1 of the submissions does not count toward it. Last evaluated 2021-10-12.

Conditions:
Hereditary cancer-predisposing syndrome. Also called: Hereditary Cancer Syndrome; Neoplastic Syndromes, Hereditary; Tumor predisposition; Hereditary neoplastic syndrome. Identifiers: Orphanet 140162, MedGen C0027672, MeSH D009386, MONDO:0015356.
Ataxia-telangiectasia syndrome (AT). Also called: Cerebello-oculocutaneous telangiectasia; Immunodeficiency with ataxia telangiectasia; Ataxia-telangiectasia, complementation group E; Ataxia-telangiectasia, complementation group D; AT, COMPLEMENTATION GROUP C; ATAXIA-TELANGIECTASIA, COMPLEMENTATION GROUP A. Identifiers: Orphanet 100, MedGen C0004135, MONDO:0008840, OMIM 208900.

Submissions (2):

Ambry Genetics
Classification: Uncertain significance for Hereditary cancer-predisposing syndrome. Last evaluated: 2021-10-12. Review status: criteria provided, single submitter. Criteria: Ambry Variant Classification Scheme 2023. Collection method: clinical testing. Allele origin: germline.
Comment: The c.6975+5_6975+9delGTTTT intronic variant, located in intron 46 of the ATM gene, results from a deletion of 5 nucleotides within intron 46 of the ATM gene. In silico splice site analysis predicts that this alteration will weaken the native splice donor site; however, direct evidence is insufficient at this time (Ambry internal data). Since supporting evidence is limited at this time, the clinical significance of this alteration remains unclear.

Counsyl
Classification: Uncertain significance for Ataxia-telangiectasia syndrome. Last evaluated: 2017-09-06. Review status: no assertion criteria provided. Collection method: clinical testing. Allele origin: unknown. Not counted in ClinVar's aggregate classification.

NM_000051.4(ATM):c.6975+5_6975+9del

Genes: ATM (ATM serine/threonine kinase; plus strand), C11orf65 (chromosome 11 open reading frame 65; minus strand). Cytogenetic location: 11q22.3.
Variant type: Deletion.
Coding change: c.6975+5_6975+9del on transcript NM_000051.4 (MANE Select); bases 5 to 9 of the intron after coding-DNA position 6975, 5 bases deleted (GTTTT; older notation c.6975+5_6975+9delGTTTT).
Molecular consequence: splice donor variant. On other transcripts: intron variant (2).
Genome position (GRCh38, 1-based): chr11:108,326,230-108,326,234, GTTTT deleted; deleting any 5 consecutive bases within chr11:108,326,227-108,326,234 gives the same sequence; the c. name uses the placement nearest the transcript's 3' end. VCF-style (leftmost placement, unchanged base first): chr11-108326226-GTTTGT-G. GRCh37 (hg19) VCF-style: chr11-108196953-GTTTGT-G.
Other names: c.6975+5_6975+9del (NM_001351834.2); c.641-17160_641-17156del (NM_001330368.2); c.*38+8989_*38+8993del (NM_001351110.2); c.6975+5_6975+9del5 (NM_000051.3).
Identifiers: ClinVar variation 553744 (VCV000553744.6), dbSNP rs1555120086, ClinGen allele CA658821314.